The following is an entry in ClinVar:

NM_024652.6(LRRK1):c.191G>T (p.Arg64Leu)

Gene: LRRK1 (leucine rich repeat kinase 1; plus strand). Cytogenetic location: 15q26.3.
Variant type: single nucleotide variant.
Coding change: c.191G>T on transcript NM_024652.6 (MANE Select); coding-DNA position 191, G replaced by T.
Protein change: p.Arg64Leu; replaces arginine 64 with leucine.
Molecular consequence: missense variant.
Genome position (GRCh38, 1-based): chr15:100,973,897, G>T. VCF-style: chr15-100973897-G-T. GRCh37 (hg19) VCF-style: chr15-101514102-G-T.
Other names: short protein forms R64L.
Identifiers: ClinVar variation 1362197 (VCV001362197.6), dbSNP rs948639431, ClinGen allele CA275586623.

ClinVar aggregate classification (germline): Uncertain significance (1 of 4 stars; one submission).

gnomAD v4.1: 4 of 1,270,938 alleles (0.00031%); highest among the groups gnomAD compares: Non-Finnish European, 0.0004%; no homozygotes.

Submission:

Labcorp Genetics (formerly Invitae), Labcorp
Classification: Uncertain significance. Last evaluated: 2025-03-17. Review status: criteria provided, single submitter. Criteria: Invitae Variant Classification Sherloc (09022015). Collection method: clinical testing. Allele origin: germline.
Comment: This sequence change replaces arginine, which is basic and polar, with leucine, which is neutral and non-polar, at codon 64 of the LRRK1 protein (p.Arg64Leu). This variant is not present in population databases (gnomAD no frequency). This variant has not been reported in the literature in individuals affected with LRRK1-related conditions. ClinVar contains an entry for this variant (Variation ID: 1362197). An algorithm developed to predict the effect of missense changes on protein structure and function (PolyPhen-2) suggests that this variant is likely to be tolerated. In summary, the available evidence is currently insufficient to determine the role of this variant in disease. Therefore, it has been classified as a Variant of Uncertain Significance.